The following is an entry in ClinVar:

ClinVar aggregate classification (germline): Uncertain significance (1 of 4 stars; one submission).

Conditions:
Hereditary cancer-predisposing syndrome. Also called: Tumor predisposition; Hereditary neoplastic syndrome; Hereditary Cancer Syndrome; Neoplastic Syndromes, Hereditary. Identifiers: Orphanet 140162, MedGen C0027672, MeSH D009386, MONDO:0015356.

Allele frequency attached by ClinVar (database versions not stated): gnomAD exomes below 0.00001; ExAC 0.00001.

Submission:

Ambry Genetics
Classification: Uncertain significance for Hereditary cancer-predisposing syndrome. Last evaluated: 2024-01-22. Review status: criteria provided, single submitter. Criteria: Ambry Variant Classification Scheme 2023. Collection method: clinical testing. Allele origin: germline.
Comment: The p.H652R variant (also known as c.1955A>G), located in coding exon 14 of the APC gene, results from an A to G substitution at nucleotide position 1955. The histidine at codon 652 is replaced by arginine, an amino acid with highly similar properties. This amino acid position is highly conserved in available vertebrate species. In addition, in silico predictors for this gene do not accurately predict pathogenicity. Based on the available evidence, the clinical significance of this alteration remains unclear.

NM_000038.6(APC):c.1955A>G (p.His652Arg)

Gene: APC (APC regulator of Wnt signaling pathway; plus strand). Cytogenetic location: 5q22.2.
Variant type: single nucleotide variant.
Coding change: c.1955A>G on transcript NM_000038.6 (MANE Select); coding-DNA position 1955, A replaced by G.
Protein change: p.His652Arg; replaces histidine 652 with arginine.
Molecular consequence: missense variant. On other transcripts: non-coding transcript variant (2).
Genome position (GRCh38, 1-based): chr5:112,835,162, A>G. VCF-style: chr5-112835162-A-G. GRCh37 (hg19) VCF-style: chr5-112170859-A-G.
Other names: c.1955A>G, p.His652Arg (NM_001127510.3, NM_001354895.2, NM_001407450.1); c.1901A>G, p.His634Arg (NM_001127511.3); c.2009A>G, p.His670Arg (NM_001354896.2, NM_001407447.1, NM_001407448.1 and 1 more transcripts); c.1985A>G, p.His662Arg (NM_001354897.2); c.1880A>G, p.His627Arg (NM_001354898.2); c.1871A>G, p.His624Arg (NM_001354899.2); c.1832A>G, p.His611Arg (NM_001354900.2); c.1778A>G, p.His593Arg (NM_001354901.2, NM_001407453.1); and 11 more; short protein forms H268R, H369R, H492R, H523R, H526R, H551R, H561R, H569R.
Identifiers: ClinVar variation 3222645 (VCV003222645.1), dbSNP rs752539905, ClinGen allele CA029954.